The following is an entry in ClinVar:

NM_004341.5(CAD):c.2492G>A (p.Arg831His)

Genes: CAD (carbamoyl-phosphate synthetase 2, aspartate transcarbamylase, and dihydroorotase; plus strand), LOC126806171 (BRD4-independent group 4 enhancer GRCh37_chr2:27454350-27455549; plus strand). Cytogenetic location: 2p23.3.
Variant type: single nucleotide variant.
Coding change: c.2492G>A on transcript NM_004341.5 (MANE Select); coding-DNA position 2492, G replaced by A.
Protein change: p.Arg831His; replaces arginine 831 with histidine.
Molecular consequence: missense variant.
Genome position (GRCh38, 1-based): chr2:27,232,071, G>A. VCF-style: chr2-27232071-G-A. GRCh37 (hg19) VCF-style: chr2-27454939-G-A.
Other names: c.2492G>A (NM_004341.3); c.2303G>A, p.Arg768His (NM_001306079.2); short protein forms R768H, R831H.
Identifiers: ClinVar variation 1516323 (VCV001516323.6), dbSNP rs779903352, ClinGen allele CA1573031.
Genomic context (GRCh38, chr2:27,232,071, plus strand): 5'-TTGTGGTGGCAGCTGCTTTGTGGGCTGGTTATTCAGTGGACCGCCTGTATGAGCTCACAC[G>A]CATCGACCGCTGGTTCCTGCACCGAATGAAGCGTATCATCGCACATGCCCAGCTGCTAGA-3'
Protein context (NP_004332.2, residues 821-841): YSVDRLYELT[Arg831His]IDRWFLHRMK

ClinVar aggregate classification (germline): Uncertain significance. Review status: criteria provided, multiple submitters, no conflicts (2 of 4 stars). 4 submissions from 4 submitters: Uncertain significance (4). Last evaluated 2024-10-07.

Conditions:
Inborn genetic diseases. Identifiers: MedGen C0950123, MeSH D030342.
Developmental and epileptic encephalopathy, 50 (DEE50). Also called: Epileptic encephalopathy, early infantile, 50. Identifiers: Orphanet 448010, MedGen C4225320, MONDO:0014647, OMIM 616457.

Allele frequency attached by ClinVar (database versions not stated): gnomAD 0.00001; TOPMed 0.00001; ExAC 0.00002; gnomAD exomes 0.00002 and 0.00003.
gnomAD v4.1: 31 of 1,614,122 alleles (0.0019%); highest among the groups gnomAD compares: Admixed American, 0.0083%; no homozygotes.

Submissions (4):

Ambry Genetics
Classification: Uncertain significance for Inborn genetic diseases. Last evaluated: 2024-10-07. Review status: criteria provided, single submitter. Criteria: Ambry Variant Classification Scheme 2023. Collection method: clinical testing. Allele origin: germline.

Daryl Scott Lab, Baylor College of Medicine
Classification: Uncertain significance for Developmental and epileptic encephalopathy, 50. Last evaluated: 2022-08-22. Review status: criteria provided, single submitter. Criteria: ACMG Guidelines, 2015. Collection method: clinical testing. Allele origin: unknown. Observed: 1 variant allele, 1 heterozygote.

Labcorp Genetics (formerly Invitae), Labcorp
Classification: Uncertain significance. Last evaluated: 2022-04-22. Review status: criteria provided, single submitter. Criteria: Invitae Variant Classification Sherloc (09022015). Collection method: clinical testing. Allele origin: germline.
Comment: This sequence change replaces arginine, which is basic and polar, with histidine, which is basic and polar, at codon 831 of the CAD protein (p.Arg831His). This variant is present in population databases (rs779903352, gnomAD 0.01%). This variant has not been reported in the literature in individuals affected with CAD-related conditions. Algorithms developed to predict the effect of missense changes on protein structure and function are either unavailable or do not agree on the potential impact of this missense change (SIFT: "Tolerated"; PolyPhen-2: "Possibly Damaging"; Align-GVGD: "Class C0"). In summary, the available evidence is currently insufficient to determine the role of this variant in disease. Therefore, it has been classified as a Variant of Uncertain Significance.

Blueprint Genetics
Classification: Uncertain significance. Last evaluated: 2021-05-20. Review status: criteria provided, single submitter. Criteria: ACMG Guidelines, 2015. Collection method: clinical testing. Allele origin: germline.

Literature cited by the submitters: PubMed 36135330 (cited by Daryl Scott Lab, Baylor College of Medicine).